The following is an entry in ClinVar:

NM_000426.4(LAMA2):c.8770C>T (p.Gln2924Ter)

Gene: LAMA2 (laminin subunit alpha 2; plus strand). Cytogenetic location: 6q22.33.
Variant type: single nucleotide variant.
Coding change: c.8770C>T on transcript NM_000426.4 (MANE Select); coding-DNA position 8770, C replaced by T.
Protein change: p.Gln2924Ter; replaces glutamine 2924 with a stop codon.
Molecular consequence: nonsense.
Genome position (GRCh38, 1-based): chr6:129,507,555, C>T. VCF-style: chr6-129507555-C-T. GRCh37 (hg19) VCF-style: chr6-129828700-C-T.
Other names: c.8758C>T, p.Gln2920Ter (NM_001079823.2); short protein forms Q2920*, Q2924*.
Identifiers: ClinVar variation 983653 (VCV000983653.10), dbSNP rs1034133545, ClinGen allele CA146925639.

ClinVar aggregate classification (germline): Pathogenic/Likely pathogenic. Review status: criteria provided, multiple submitters, no conflicts (2 of 4 stars). 2 submissions from 2 submitters: Pathogenic (1); Likely pathogenic (1). Last evaluated 2021-09-01.

Conditions:
LAMA2-related muscular dystrophy (LAMA2-RD). Also called: Laminin alpha 2-related dystrophy. Identifiers: MedGen C5679788, MONDO:0100228.

Allele frequency attached by ClinVar (database versions not stated): gnomAD exomes below 0.00001; TOPMed below 0.00001; gnomAD 0.00001.
gnomAD v4.1: 2 of 1,614,042 alleles (0.00012%); highest among the groups gnomAD compares: Non-Finnish European, 0.00017%; no homozygotes.

Submissions (2):

Labcorp Genetics (formerly Invitae), Labcorp
Classification: Pathogenic for LAMA2-related muscular dystrophy. Last evaluated: 2021-09-01. Review status: criteria provided, single submitter. Criteria: Invitae Variant Classification Sherloc (09022015). Collection method: clinical testing. Allele origin: germline.
Comment: For these reasons, this variant has been classified as Pathogenic. This variant is not present in population databases (ExAC no frequency). This sequence change creates a premature translational stop signal (p.Gln2924*) in the LAMA2 gene. It is expected to result in an absent or disrupted protein product. Loss-of-function variants in LAMA2 are known to be pathogenic (PMID: 18700894, 32904964). ClinVar contains an entry for this variant (Variation ID: 983653). This variant has not been reported in the literature in individuals affected with LAMA2-related conditions.

Myriad Genetics, Inc.
Classification: Likely pathogenic for LAMA2-related muscular dystrophy. Last evaluated: 2019-01-04. Review status: criteria provided, single submitter. Criteria: Myriad Autosomal Dominant, Autosomal Recessive and X-Linked Classification Criteria (2023). Collection method: clinical testing. Allele origin: unknown.
Comment: NM_000426.3(LAMA2):c.8770C>T(Q2924*) is expected to be pathogenic in the context of LAMA2-related muscular dystrophy. This variant is predicted to lead to an abnormal or absent protein product due to the creation of a premature termination codon in LAMA2, a gene where loss-of-function variants are known to be pathogenic. Please note: this variant was assessed in the context of healthy population screening.

Literature cited by the submitters: PubMed 18700894 (cited by Labcorp Genetics (formerly Invitae), Labcorp); PubMed 32904964 (cited by Labcorp Genetics (formerly Invitae), Labcorp).